The following is an entry in ClinVar:

ClinVar aggregate classification (germline): Uncertain significance (1 of 4 stars; one submission).

Conditions:
Developmental and epileptic encephalopathy, 25 (DEE25). Also called: Developmental and epileptic encephalopathy 25, with amelogenesis imperfecta; Epileptic encephalopathy, early infantile, 25, with amelogenesis imperfecta; Epileptic encephalopathy, early infantile, 25. Identifiers: Orphanet 442835, MedGen C4014621, MONDO:0014392, OMIM 615905.

Allele frequency attached by ClinVar (database versions not stated): TOPMed 0.00001.

Submission:

Labcorp Genetics (formerly Invitae), Labcorp
Classification: Uncertain significance for Developmental and epileptic encephalopathy, 25. Last evaluated: 2024-10-17. Review status: criteria provided, single submitter. Criteria: Invitae Variant Classification Sherloc (09022015). Collection method: clinical testing. Allele origin: germline.
Comment: This sequence change replaces leucine, which is neutral and non-polar, with valine, which is neutral and non-polar, at codon 414 of the SLC13A5 protein (p.Leu414Val). This variant is not present in population databases (gnomAD no frequency). This variant has not been reported in the literature in individuals affected with SLC13A5-related conditions. ClinVar contains an entry for this variant (Variation ID: 568321). Invitae Evidence Modeling of protein sequence and biophysical properties (such as structural, functional, and spatial information, amino acid conservation, physicochemical variation, residue mobility, and thermodynamic stability) indicates that this missense variant is not expected to disrupt SLC13A5 protein function with a negative predictive value of 80%. In summary, the available evidence is currently insufficient to determine the role of this variant in disease. Therefore, it has been classified as a Variant of Uncertain Significance.

NM_177550.5(SLC13A5):c.1240C>G (p.Leu414Val)

Gene: SLC13A5 (solute carrier family 13 member 5; minus strand). Cytogenetic location: 17p13.1.
Variant type: single nucleotide variant.
Coding change: c.1240C>G on transcript NM_177550.5 (MANE Select); coding-DNA position 1240, C replaced by G.
Protein change: p.Leu414Val; replaces leucine 414 with valine.
Molecular consequence: missense variant.
Genome position (GRCh38, 1-based): chr17:6,693,079, G>C on the plus strand (C>G on the coding strand, the complement: SLC13A5 is on the minus strand). VCF-style: chr17-6693079-G-C. GRCh37 (hg19) VCF-style: chr17-6596398-G-C.
Other names: c.1240C>G, p.Leu414Val (NM_001143838.3); c.1189C>G, p.Leu397Val (NM_001284509.2); c.1111C>G, p.Leu371Val (NM_001284510.2); short protein forms L414V, L397V, L371V.
Identifiers: ClinVar variation 568321 (VCV000568321.9), dbSNP rs1206208725, ClinGen allele CA397741070.
Genomic context (GRCh38, chr17:6,693,079, plus strand): 5'-GGCAGCCTGTGGCTGGAGAAGTTACCTCGGATCCTTTAGCCAGAGCAAATCCGCCCCCTA[G>C]TAGCAGCACGATGCCCCAGGGCACTTTCTCCTGGGTTACCTTCCAATCCAGCAGGGGAGG-3'
Protein context (NP_808218.1, residues 404-424): EKVPWGIVLL[Leu414Val]GGGFALAKGS